The following is an entry in ClinVar:

NM_000089.4(COL1A2):c.2744C>T (p.Pro915Leu)

Gene: COL1A2 (collagen type I alpha 2 chain; plus strand). Cytogenetic location: 7q21.3.
Variant type: single nucleotide variant.
Coding change: c.2744C>T on transcript NM_000089.4 (MANE Select); coding-DNA position 2744, C replaced by T.
Protein change: p.Pro915Leu; replaces proline 915 with leucine.
Molecular consequence: missense variant.
Genome position (GRCh38, 1-based): chr7:94,425,187, C>T. VCF-style: chr7-94425187-C-T. GRCh37 (hg19) VCF-style: chr7-94054499-C-T.
Other names: short protein forms P915L.
Identifiers: ClinVar variation 4791141 (VCV004791141.1).

ClinVar aggregate classification (germline): Uncertain significance (1 of 4 stars; one submission).

Conditions:
Ehlers-Danlos syndrome, classic type, 1 (EDSCL1). Also called: EHLERS-DANLOS SYNDROME, GRAVIS TYPE; EHLERS-DANLOS SYNDROME, SEVERE CLASSIC TYPE; Ehlers-Danlos syndrome, type 1; Ehlers-Danlos Syndrome, Classic Type, COL5A1-Related; EDS I. Identifiers: MedGen C0268335, MONDO:0019567, OMIM 130000.
Osteogenesis imperfecta type I (OI1). Also called: OI, TYPE I; OSTEOGENESIS IMPERFECTA TARDA; OSTEOGENESIS IMPERFECTA WITH BLUE SCLERAE; Osteogenesis imperfecta type 1; Lobstein's Disease; Lobstein disease. Identifiers: Orphanet 216796, Orphanet 666, MedGen C0023931, MONDO:0008146, OMIM 166200. Disease mechanism: loss of function.

Submission:

Labcorp Genetics (formerly Invitae), Labcorp
Classification: Uncertain significance for Osteogenesis imperfecta type I; Ehlers-Danlos syndrome, classic type, 1. Last evaluated: 2025-02-09. Review status: criteria provided, single submitter. Criteria: Invitae Variant Classification Sherloc (09022015). Collection method: clinical testing. Allele origin: germline.
Comment: This sequence change replaces proline, which is neutral and non-polar, with leucine, which is neutral and non-polar, at codon 915 of the COL1A2 protein (p.Pro915Leu). This variant is not present in population databases (gnomAD no frequency). This variant has not been reported in the literature in individuals affected with COL1A2-related conditions. Invitae Evidence Modeling of protein sequence and biophysical properties (such as structural, functional, and spatial information, amino acid conservation, physicochemical variation, residue mobility, and thermodynamic stability) indicates that this missense variant is not expected to disrupt COL1A2 protein function with a negative predictive value of 80%. In summary, the available evidence is currently insufficient to determine the role of this variant in disease. Therefore, it has been classified as a Variant of Uncertain Significance.